The following is an entry in ClinVar:

ClinVar aggregate classification (germline): Uncertain significance (1 of 4 stars; one submission).

Allele frequency attached by ClinVar (database versions not stated): gnomAD exomes below 0.00001 and 0.00001.

Submission:

Labcorp Genetics (formerly Invitae), Labcorp
Classification: Uncertain significance. Last evaluated: 2023-12-22. Review status: criteria provided, single submitter. Criteria: Invitae Variant Classification Sherloc (09022015). Collection method: clinical testing. Allele origin: germline.
Comment: This sequence change replaces lysine, which is basic and polar, with glutamic acid, which is acidic and polar, at codon 259 of the PLAA protein (p.Lys259Glu). This variant is present in population databases (no rsID available, gnomAD 0.006%). This variant has not been reported in the literature in individuals affected with PLAA-related conditions. ClinVar contains an entry for this variant (Variation ID: 1478550). Advanced modeling of protein sequence and biophysical properties (such as structural, functional, and spatial information, amino acid conservation, physicochemical variation, residue mobility, and thermodynamic stability) performed at Invitae indicates that this missense variant is not expected to disrupt PLAA protein function with a negative predictive value of 80%. In summary, the available evidence is currently insufficient to determine the role of this variant in disease. Therefore, it has been classified as a Variant of Uncertain Significance.

NM_001031689.3(PLAA):c.775A>G (p.Lys259Glu)

Gene: PLAA (phospholipase A2 activating protein; minus strand). Cytogenetic location: 9p21.2.
Variant type: single nucleotide variant.
Coding change: c.775A>G on transcript NM_001031689.3 (MANE Select); coding-DNA position 775, A replaced by G.
Protein change: p.Lys259Glu; replaces lysine 259 with glutamic acid.
Molecular consequence: missense variant.
Genome position (GRCh38, 1-based): chr9:26,925,919, T>C on the plus strand (A>G on the coding strand, the complement: PLAA is on the minus strand). VCF-style: chr9-26925919-T-C. GRCh37 (hg19) VCF-style: chr9-26925917-T-C.
Other names: c.775A>G, p.Lys259Glu (NM_001321546.2); short protein forms K259E.
Identifiers: ClinVar variation 1478550 (VCV001478550.8), dbSNP rs1429643106, ClinGen allele CA373133319.